The following is an entry in ClinVar:

NM_001042492.3(NF1):c.586G>A (p.Glu196Lys)

Gene: NF1 (neurofibromin 1; plus strand). Cytogenetic location: 17q11.2.
Variant type: single nucleotide variant.
Coding change: c.586G>A on transcript NM_001042492.3 (MANE Select); coding-DNA position 586, G replaced by A.
Protein change: p.Glu196Lys; replaces glutamic acid 196 with lysine.
Molecular consequence: missense variant.
Genome position (GRCh38, 1-based): chr17:31,169,997, G>A. VCF-style: chr17-31169997-G-A. GRCh37 (hg19) VCF-style: chr17-29497015-G-A.
Other names: c.586G>A, p.Glu196Lys (NM_000267.4, NM_001128147.3); short protein forms E196K.
Identifiers: ClinVar variation 231304 (VCV000231304.12), dbSNP rs876659079, ClinGen allele CA10580195.

ClinVar aggregate classification (germline): Conflicting classifications of pathogenicity. Review status: criteria provided, conflicting classifications (1 of 4 stars). 3 submissions from 3 submitters: Likely pathogenic (1); Uncertain significance (2). Last evaluated 2024-12-05.

Conditions:
Cardiovascular phenotype. Identifiers: MedGen CN230736.
Hereditary cancer-predisposing syndrome. Also called: Hereditary Cancer Syndrome; Neoplastic Syndromes, Hereditary; Tumor predisposition; Hereditary neoplastic syndrome. Identifiers: Orphanet 140162, MedGen C0027672, MeSH D009386, MONDO:0015356.
Neurofibromatosis, type 1 (NF1). Also called: Neurofibromatosis, type I; VON RECKLINGHAUSEN DISEASE; NEUROFIBROMATOSIS, TYPE I, SOMATIC; Peripheral type neurofibromatosis. Identifiers: Orphanet 636, MedGen C0027831, MONDO:0018975, OMIM 162200. Disease mechanism: loss of function.

Allele frequency attached by ClinVar (database versions not stated): gnomAD exomes below 0.00001.
gnomAD v4.1: 1 of 1,591,654 alleles (0.000063%); highest among the groups gnomAD compares: Non-Finnish European, 0.000086%; no homozygotes.

Submissions (3):

Ambry Genetics
Classification: Likely pathogenic for Cardiovascular phenotype; Hereditary cancer-predisposing syndrome. Last evaluated: 2024-12-05. Review status: criteria provided, single submitter. Criteria: Ambry Variant Classification Scheme 2023. Collection method: clinical testing. Allele origin: germline.
Comment: The c.586G>A variant (also known as p.E196K), located in coding exon 5 of the NF1 gene, results from a G to A substitution at nucleotide position 586. The amino acid change results in glutamic acid to lysine at codon 196, an amino acid with similar properties. However, this change occurs in the last base pair of coding exon 5, which makes it likely to have some effect on normal mRNA splicing. This variant was reported in individual(s) with features consistent with neurofibromatosis type 1 (Ambry internal data; external communication). This nucleotide position is highly conserved in available vertebrate species. In silico splice site analysis predicts that this alteration will not have any significant effect on splicing. RNA studies have demonstrated that this alteration results in abnormal splicing in the set of samples tested (Ambry internal data). This variant is considered to be rare based on population cohorts in the Genome Aggregation Database (gnomAD). Based on the majority of available evidence to date, this variant is likely to be pathogenic.

Genome-Nilou Lab
Classification: Uncertain significance for Neurofibromatosis, type 1. Last evaluated: 2022-03-15. Review status: criteria provided, single submitter. Criteria: ACMG Guidelines, 2015. Collection method: clinical testing. Allele origin: germline. Affected: no.

Labcorp Genetics (formerly Invitae), Labcorp
Classification: Uncertain significance for Neurofibromatosis, type 1. Last evaluated: 2016-10-06. Review status: criteria provided, single submitter. Criteria: Invitae Variant Classification Sherloc (09022015). Collection method: clinical testing. Allele origin: germline.
Comment: This sequence change replaces glutamic acid with lysine at codon 196 of the NF1 protein (p.Glu196Lys). The glutamic acid residue is highly conserved and there is a small physicochemical difference between glutamic acid and lysine. This variant is also located within a consensus splice site since it falls at the last nucleotide of exon 5 of the NF1 coding sequence. This variant is not present in population databases (ExAC no frequency) and has not been reported in the literature in individuals with a NF1-related disease. ClinVar contains an entry for this variant (Variation ID: 231304). In summary, this variant is a novel missense change with uncertain impact on protein function. It has been classified as a Variant of Uncertain Significance. Algorithms developed to predict the effect of missense changes on protein structure and function do not agree on the potential impact of this missense change (SIFT: "Tolerated"; PolyPhen-2: "Probably Damaging"; Align-GVGD: "Class C0"). Nucleotide substitutions within the consensus splice site are relatively common causes of aberrant splicing (PMID: 17576681, 9536098) but according to multiple splice site algorithms this particular variant is not predicted to significantly affect splicing. These predictions have not been confirmed by published functional studies.

Literature cited by the submitters: PubMed 17311297 (cited by Ambry Genetics); PubMed 17576681 (cited by Labcorp Genetics (formerly Invitae), Labcorp); PubMed 9536098 (cited by Labcorp Genetics (formerly Invitae), Labcorp).